The following is an entry in ClinVar:

NM_001394062.1(MACF1):c.1817A>T (p.Asp606Val)

Gene: MACF1 (microtubule actin crosslinking factor 1; plus strand). Cytogenetic location: 1p34.3.
Variant type: single nucleotide variant.
Coding change: c.1817A>T on transcript NM_001394062.1 (MANE Select); coding-DNA position 1817, A replaced by T.
Protein change: p.Asp606Val; replaces aspartic acid 606 with valine.
Molecular consequence: missense variant.
Genome position (GRCh38, 1-based): chr1:39,291,941, A>T. VCF-style: chr1-39291941-A-T. GRCh37 (hg19) VCF-style: chr1-39757613-A-T.
Other names: c.1832A>T, p.Asp611Val (NM_012090.5); short protein forms D606V, D611V.
Identifiers: ClinVar variation 1301696 (VCV001301696.3), dbSNP rs1645798633, ClinGen allele CA339764752.

ClinVar aggregate classification (germline): Uncertain significance. Review status: criteria provided, single submitter (1 of 4 stars). 2 submissions from 1 submitter: Uncertain significance (1). 1 of the submissions does not count toward it. Last evaluated 2022-12-17.

Conditions:
Lissencephaly 9 with complex brainstem malformation. Identifiers: Orphanet 572013, MedGen C5193029, MONDO:0032677, OMIM 618325.

Allele frequency attached by ClinVar (database versions not stated): gnomAD 0.00001.
gnomAD v4.1: 1 of 1,613,864 alleles (0.000062%); highest among the groups gnomAD compares: Non-Finnish European, 0.000085%; no homozygotes.

Submissions (2):

Dubai Health Genomic Medicine Center, Dubai Health
Classification: Uncertain significance. Last evaluated: 2022-12-17. Review status: criteria provided, single submitter. Criteria: ACMG Guidelines, 2015. Collection method: clinical testing. Allele origin: germline. Affected: yes.

Dubai Health Genomic Medicine Center, Dubai Health
Classification: Uncertain significance for Lissencephaly 9 with complex brainstem malformation. Last evaluated: 2021-03-18. Review status: flagged submission. Criteria: ACMG Guidelines, 2015. Collection method: clinical testing. Allele origin: germline. Affected: yes. Not counted in ClinVar's aggregate classification.
Comment: The p.D611V missense variant in MACF1 has not been previously reported in individuals with disease and was absent from large population studies such as the Genome Aggregation Database (gnomAD) and the Greater Middle East (GME) variome database. Computational prediction tools and conservation analyses suggest this variant may impact the protein though this information is not predictive enough to confirm pathogenicity. In summary additional information is needed to fully assess the clinical significance of this variant.
ClinVar note: Reason: This record appears to be redundant with a more recent record from the same submitter.
ClinVar note: Notes: SCV001984386 appears to be redundant with SCV002774971.